The following is an entry in ClinVar:

NM_144631.6(ZNF513):c.196G>C (p.Glu66Gln)

Gene: ZNF513 (zinc finger protein 513; minus strand). Cytogenetic location: 2p23.3.
Variant type: single nucleotide variant.
Coding change: c.196G>C on transcript NM_144631.6 (MANE Select); coding-DNA position 196, G replaced by C.
Protein change: p.Glu66Gln; replaces glutamic acid 66 with glutamine.
Molecular consequence: missense variant.
Genome position (GRCh38, 1-based): chr2:27,380,108, C>G on the plus strand (G>C on the coding strand, the complement: ZNF513 is on the minus strand). VCF-style: chr2-27380108-C-G. GRCh37 (hg19) VCF-style: chr2-27602975-C-G.
Other names: c.10G>C, p.Glu4Gln (NM_001201459.2); short protein forms E4Q, E66Q.
Identifiers: ClinVar variation 4810756 (VCV004810756.1).

ClinVar aggregate classification (germline): Uncertain significance (1 of 4 stars; one submission).

gnomAD v4.1: 9 of 1,614,158 alleles (0.00056%); highest among the groups gnomAD compares: Non-Finnish European, 0.00076%; no homozygotes.

Submission:

Labcorp Genetics (formerly Invitae), Labcorp
Classification: Uncertain significance. Last evaluated: 2025-08-30. Review status: criteria provided, single submitter. Criteria: Invitae Variant Classification Sherloc (09022015). Collection method: clinical testing. Allele origin: germline.
Comment: This sequence change replaces glutamic acid, which is acidic and polar, with glutamine, which is neutral and polar, at codon 66 of the ZNF513 protein (p.Glu66Gln). This variant is present in population databases (no rsID available, gnomAD 0.0009%). This variant has not been reported in the literature in individuals affected with ZNF513-related conditions. An algorithm developed to predict the effect of missense changes on protein structure and function (PolyPhen-2) suggests that this variant is likely to be disruptive. In summary, the available evidence is currently insufficient to determine the role of this variant in disease. Therefore, it has been classified as a Variant of Uncertain Significance.